The following is an entry in ClinVar:

NM_025137.4(SPG11):c.756G>A (p.Glu252=)

Gene: SPG11 (SPG11 vesicle trafficking associated, spatacsin; minus strand). Cytogenetic location: 15q21.1.
Variant type: single nucleotide variant.
Coding change: c.756G>A on transcript NM_025137.4 (MANE Select); coding-DNA position 756, G replaced by A.
Protein change: p.Glu252=; no amino-acid change (glutamic acid 252 retained).
Molecular consequence: synonymous variant.
Genome position (GRCh38, 1-based): chr15:44,657,208, C>T on the plus strand (G>A on the coding strand, the complement: SPG11 is on the minus strand). VCF-style: chr15-44657208-C-T. GRCh37 (hg19) VCF-style: chr15-44949406-C-T.
Other names: c.756G>A (NM_025137.3); c.756G>A, p.Glu252= (NM_001160227.2).
Identifiers: ClinVar variation 1110448 (VCV001110448.10), dbSNP rs762704140, ClinGen allele CA7535731.

ClinVar aggregate classification (germline): Likely benign. Review status: criteria provided, multiple submitters, no conflicts (2 of 4 stars). 2 submissions from 2 submitters: Likely benign (2). Last evaluated 2026-06-18.

Conditions:
SPG11-related disorder. Also called: SPG11-related condition.
Hereditary spastic paraplegia 11. Also called: Spastic Paraplegia 11; Nakamura Osame syndrome; Autosomal recessive hereditary spastic paraplegia, mental impairment, and thin corpus callosum; Spastic paraplegia, mental retardation and thin corpus callosum; SPASTIC PARAPLEGIA, AUTOSOMAL RECESSIVE, COMPLICATED, WITH THIN CORPUS CALLOSUM; SPASTIC PARAPLEGIA, AUTOSOMAL RECESSIVE, WITH MENTAL IMPAIRMENT AND THIN CORPUS CALLOSUM. Identifiers: Orphanet 2822, MedGen C1858479, MONDO:0011445, OMIM 604360.

Allele frequency attached by ClinVar (database versions not stated): ExAC 0.00002; gnomAD 0.00002; gnomAD exomes 0.00002 and 0.00003; TOPMed 0.00002.
gnomAD v4.1: 35 of 1,614,054 alleles (0.0022%); highest among the groups gnomAD compares: Middle Eastern, 0.033%; no homozygotes.

Submissions (2):

PreventionGenetics, part of Exact Sciences
Classification: Likely benign for SPG11-related condition. Last evaluated: 2026-06-18. Review status: criteria provided, single submitter. Criteria: ACMG Guidelines, 2015. Collection method: clinical testing. Allele origin: germline.
Comment: This variant is classified as likely benign based on ACMG/AMP sequence variant interpretation guidelines (Richards et al. 2015 PMID: 25741868, with internal and published modifications).

Labcorp Genetics (formerly Invitae), Labcorp
Classification: Likely benign for Hereditary spastic paraplegia 11. Last evaluated: 2026-01-13. Review status: criteria provided, single submitter. Criteria: Invitae Variant Classification Sherloc (09022015). Collection method: clinical testing. Allele origin: germline.